The following is an entry in ClinVar:

NM_020632.3(ATP6V0A4):c.21C>T (p.Ser7=)

Genes: ATP6V0A4 (ATPase H+ transporting V0 subunit a4; minus strand), LOC129389889 (MPRA-validated peak6777 silencer; plus strand). Cytogenetic location: 7q34.
Variant type: single nucleotide variant.
Coding change: c.21C>T on transcript NM_020632.3 (MANE Select); coding-DNA position 21, C replaced by T.
Protein change: p.Ser7=; no amino-acid change (serine 7 retained).
Molecular consequence: synonymous variant.
Genome position (GRCh38, 1-based): chr7:138,771,227, G>A on the plus strand (C>T on the coding strand, the complement: ATP6V0A4 is on the minus strand). VCF-style: chr7-138771227-G-A. GRCh37 (hg19) VCF-style: chr7-138455972-G-A.
Other names: c.21C>T, p.Ser7= (NM_130840.3, NM_130841.3); c.21C>T (NM_020632.2).
Identifiers: ClinVar variation 3706131 (VCV003706131.4).

ClinVar aggregate classification (germline): Likely benign. Review status: criteria provided, multiple submitters, no conflicts (2 of 4 stars). 2 submissions from 2 submitters: Likely benign (2). Last evaluated 2025-10-25.

Conditions:
ATP6V0A4-related disorder. Also called: ATP6V0A4-related condition.

gnomAD v4.1: 50 of 1,613,586 alleles (0.0031%); highest among the groups gnomAD compares: African/African-American, 0.0053%; no homozygotes.

Submissions (3):

Labcorp Genetics (formerly Invitae), Labcorp
Classification: Likely benign. Last evaluated: 2025-10-25. Review status: criteria provided, single submitter. Criteria: Invitae Variant Classification Sherloc (09022015). Collection method: clinical testing. Allele origin: germline.

PreventionGenetics, part of Exact Sciences
Classification: Likely benign for ATP6V0A4-related condition. Last evaluated: 2025-06-17. Review status: criteria provided, single submitter. Criteria: ACMG Guidelines, 2015. Collection method: clinical testing. Allele origin: germline.
Comment: This variant is classified as likely benign based on ACMG/AMP sequence variant interpretation guidelines (Richards et al. 2015 PMID: 25741868, with internal and published modifications).

Dr. Peter K. Rogan Lab, Western University
No classification provided (evidence only). Condition: Nonpapillary renal cell carcinoma. Review status: no classification provided. Collection method: in vitro. Allele origin: not applicable. Functional consequence: retained intron. Not counted in ClinVar's aggregate classification.